The following is an entry in ClinVar:

ClinVar aggregate classification (germline): Uncertain significance (1 of 4 stars; one submission).

Conditions:
Kabuki syndrome. Also called: Kabuki make-up syndrome; NIIKAWA-KUROKI SYNDROME. Identifiers: Orphanet 2322, MedGen C0796004, MONDO:0016512.

Submission:

Labcorp Genetics (formerly Invitae), Labcorp
Classification: Uncertain significance for Kabuki syndrome. Last evaluated: 2024-10-26. Review status: criteria provided, single submitter. Criteria: Invitae Variant Classification Sherloc (09022015). Collection method: clinical testing. Allele origin: germline.
Comment: This variant, c.11810_11818del, results in the deletion of 3 amino acid(s) of the KMT2D protein (p.Gln3937_Gln3939del), but otherwise preserves the integrity of the reading frame. This variant is not present in population databases (gnomAD no frequency). This variant has not been reported in the literature in individuals affected with KMT2D-related conditions. This variant has been observed in at least one individual who was not affected with KMT2D-related conditions (internal data). Experimental studies and prediction algorithms are not available or were not evaluated, and the functional significance of this variant is currently unknown. In summary, the available evidence is currently insufficient to determine the role of this variant in disease. Therefore, it has been classified as a Variant of Uncertain Significance.

NM_003482.4(KMT2D):c.11807AGC[1] (p.Gln3937_Gln3939del)

Gene: KMT2D (lysine methyltransferase 2D; minus strand). Cytogenetic location: 12q13.12.
Variant type: Microsatellite.
Coding change: c.11807AGC[1] on transcript NM_003482.4 (MANE Select); one copy of the 3-base unit AGC starting at c.11807; the reference has four copies in a row; three copies, 9 bases deleted.
Protein change: p.Gln3937_Gln3939del.
Molecular consequence: inframe deletion.
Genome position (GRCh38, 1-based): chr12:49,032,887-49,032,895, GCTGCTGCT deleted on the plus strand (AGCAGCAGC on the coding strand, the reverse complement: KMT2D is on the minus strand); deleting any 9 consecutive bases within chr12:49,032,887-49,032,899 gives the same sequence; the position shown is the placement nearest the transcript's 3' end. VCF-style (leftmost placement, unchanged base first): chr12-49032886-AGCTGCTGCT-A. GRCh37 (hg19) VCF-style: chr12-49426669-AGCTGCTGCT-A.
Identifiers: ClinVar variation 1420739 (VCV001420739.6), dbSNP rs1399512864, ClinGen allele CA2580615179.
Genomic context (GRCh38, chr12:49,032,886, plus strand): 5'-TGCTGTTGCTGTTGTAGCTGCTGTTGCTGCTGTTGAAGCTGTTGCTGCTGCTGTTGTTGA[AGCTGCTGCT>A]GCTGTTGCTGCTGTTGAAGCTGTTGCTGCTGAAGTTGCTGTTGCTGTTGTAGCTGCTGCT-3'